The following is an entry in ClinVar:

NM_012154.5(AGO2):c.990C>T (p.Val330=)

Genes: AGO2 (argonaute RISC catalytic component 2; minus strand), LOC126860544 (MED14-independent group 3 enhancer GRCh37_chr8:141567119-141568318; plus strand). Cytogenetic location: 8q24.3.
Variant type: single nucleotide variant.
Coding change: c.990C>T on transcript NM_012154.5 (MANE Select); coding-DNA position 990, C replaced by T.
Protein change: p.Val330=; no amino-acid change (valine 330 retained).
Molecular consequence: synonymous variant.
Genome position (GRCh38, 1-based): chr8:140,557,125, G>A on the plus strand (C>T on the coding strand, the complement: AGO2 is on the minus strand). VCF-style: chr8-140557125-G-A. GRCh37 (hg19) VCF-style: chr8-141567224-G-A.
Other names: c.990C>T, p.Val330= (NM_001164623.3).
Identifiers: ClinVar variation 4822576 (VCV004822576.4).

ClinVar aggregate classification (germline): Likely benign (1 of 4 stars; one submission).

gnomAD v4.1: 18 of 1,613,960 alleles (0.0011%); highest among the groups gnomAD compares: African/African-American, 0.016%; no homozygotes.

Submission:

CeGaT Center for Human Genetics Tuebingen
Classification: Likely benign. Last evaluated: 2026-03-01. Review status: criteria provided, single submitter. Criteria: CeGaT Center For Human Genetics Tuebingen Variant Classification Criteria Version 2. Collection method: clinical testing. Allele origin: germline. Affected: yes. Observed: 1 variant allele.
Comment: AGO2: BP4, BP7